The following is an entry in ClinVar:

ClinVar aggregate classification (germline): Uncertain significance. Review status: criteria provided, multiple submitters, no conflicts (2 of 4 stars). 2 submissions from 2 submitters: Uncertain significance (2). Last evaluated 2024-05-24.

Conditions:
Blepharophimosis - intellectual disability syndrome, SBBYS type (SBBYSS). Also called: Say-Barber-Biesecker variant of Ohdo syndrome (SBBYSS); Say-Barber-Biesecker-Young-Simpson variant of Ohdo Syndrome; Say-Barber-Biesecker Variant of Ohdo Syndrome; Young Simpson syndrome; Mental retardation unusual facies hypothyroidism; Ohdo syndrome, SBBYS variant. Identifiers: Orphanet 3047, MedGen C1863557, MONDO:0011365, OMIM 603736.
Genitopatellar syndrome (GTPTS). Also called: Genitopatellar syndrome (GPS); ABSENT PATELLAE, SCROTAL HYPOPLASIA, RENAL ANOMALIES, FACIAL DYSMORPHISM, AND MENTAL RETARDATION. Identifiers: Orphanet 85201, MedGen C1853566, MONDO:0011640, OMIM 606170.

Allele frequency attached by ClinVar (database versions not stated): gnomAD exomes below 0.00001.
gnomAD v4.1: 2 of 1,604,424 alleles (0.00012%); highest among the groups gnomAD compares: Non-Finnish European, 0.00017%; no homozygotes.

Submissions (2):

Fulgent Genetics
Classification: Uncertain significance for Blepharophimosis - intellectual disability syndrome, SBBYS type; Genitopatellar syndrome. Last evaluated: 2024-05-24. Review status: criteria provided, single submitter. Criteria: ACMG Guidelines, 2015. Collection method: clinical testing. Allele origin: germline.

Labcorp Genetics (formerly Invitae), Labcorp
Classification: Uncertain significance for Genitopatellar syndrome. Last evaluated: 2023-01-20. Review status: criteria provided, single submitter. Criteria: Invitae Variant Classification Sherloc (09022015). Collection method: clinical testing. Allele origin: germline.
Comment: In summary, the available evidence is currently insufficient to determine the role of this variant in disease. Therefore, it has been classified as a Variant of Uncertain Significance. Advanced modeling of protein sequence and biophysical properties (such as structural, functional, and spatial information, amino acid conservation, physicochemical variation, residue mobility, and thermodynamic stability) performed at Invitae indicates that this missense variant is not expected to disrupt KAT6B protein function. This variant has not been reported in the literature in individuals affected with KAT6B-related conditions. This variant is not present in population databases (gnomAD no frequency). This sequence change replaces glutamic acid, which is acidic and polar, with valine, which is neutral and non-polar, at codon 1076 of the KAT6B protein (p.Glu1076Val).

NM_012330.4(KAT6B):c.3227A>T (p.Glu1076Val)

Gene: KAT6B (lysine acetyltransferase 6B; plus strand). Cytogenetic location: 10q22.2.
Variant type: single nucleotide variant.
Coding change: c.3227A>T on transcript NM_012330.4 (MANE Select); coding-DNA position 3227, A replaced by T.
Protein change: p.Glu1076Val; replaces glutamic acid 1076 with valine.
Molecular consequence: missense variant.
Genome position (GRCh38, 1-based): chr10:75,022,086, A>T. VCF-style: chr10-75022086-A-T. GRCh37 (hg19) VCF-style: chr10-76781844-A-T.
Other names: c.2678A>T, p.Glu893Val (NM_001256468.2, NM_001370138.1); c.2351A>T, p.Glu784Val (NM_001256469.2, NM_001370139.1, NM_001370140.1 and 2 more transcripts); c.2189A>T, p.Glu730Val (NM_001370132.1); c.1538A>T, p.Glu513Val (NM_001370133.1); c.1142A>T, p.Glu381Val (NM_001370134.1); c.884A>T, p.Glu295Val (NM_001370135.1); c.3227A>T, p.Glu1076Val (NM_001370136.1, NM_001370137.1); c.2162A>T, p.Glu721Val (NM_001370143.1, NM_001370144.1); short protein forms E893V, E295V, E730V, E784V, E381V, E513V, E721V, E1076V.
Identifiers: ClinVar variation 2200031 (VCV002200031.5), dbSNP rs2549169829, ClinGen allele CA377284251.